The following is an entry in ClinVar:

NM_002834.5(PTPN11):c.1517A>C (p.Gln506Pro)

Gene: PTPN11 (protein tyrosine phosphatase non-receptor type 11; plus strand). Cytogenetic location: 12q24.13.
Variant type: single nucleotide variant.
Coding change: c.1517A>C on transcript NM_002834.5 (MANE Select); coding-DNA position 1517, A replaced by C.
Protein change: p.Gln506Pro; replaces glutamine 506 with proline.
Molecular consequence: missense variant.
Genome position (GRCh38, 1-based): chr12:112,489,093, A>C. VCF-style: chr12-112489093-A-C. GRCh37 (hg19) VCF-style: chr12-112926897-A-C.
Other names: p.Q506P:CAG>CCG; NM_002834.5(PTPN11):c.1517A>C; c.1529A>C, p.Gln510Pro (NM_001330437.2); c.1514A>C, p.Gln505Pro (NM_001374625.1); short protein forms Q506P, Q510P, Q505P.
Identifiers: ClinVar variation 40563 (VCV000040563.74), dbSNP rs397507548, ClinGen allele CA235331.

ClinVar aggregate classification (germline): Pathogenic. Review status: reviewed by expert panel (3 of 4 stars). 18 submissions from 18 submitters: Pathogenic (1). 17 of the submissions do not count toward it. Last evaluated 2025-09-09.

Conditions:
Cardiovascular phenotype. Identifiers: MedGen CN230736.
PTPN11-related disorder. Also called: PTPN11-Related Disorders.
Familial long QT syndrome (RWS). Also called: Romano-Ward syndrome; VENTRICULAR FIBRILLATION WITH PROLONGED QT INTERVAL; Congenital long QT syndrome. Identifiers: Orphanet 768, MedGen C1141890, MONDO:0019171.
RASopathy. Also called: Noonan spectrum disorder; rasopathies. Identifiers: Orphanet 536391, MedGen C5555857, MONDO:0021060.
Noonan syndrome (NS). Also called: Noonan's syndrome. Identifiers: Orphanet 648, MedGen C0028326, MeSH D009634, MONDO:0018997. Disease mechanism: gain of function.
LEOPARD syndrome 1 (LPRD1). Also called: PTPN11-Related LEOPARD Syndrome; LENTIGINOSIS, CARDIOMYOPATHIC; MULTIPLE LENTIGINES SYNDROME. Identifiers: Orphanet 500, MedGen C4551484, MONDO:0100082, OMIM 151100.
Noonan syndrome with multiple lentigines. Identifiers: Orphanet 500, MedGen C0175704, MONDO:0007893.
Noonan syndrome 1 (NS1). Also called: PTPN11-Related Noonan Syndrome; TURNER PHENOTYPE WITH NORMAL KARYOTYPE; FEMALE PSEUDO-TURNER SYNDROME. Identifiers: Orphanet 648, MedGen C4551602, MONDO:0008104, OMIM 163950. Disease mechanism: gain of function.

Submissions 1 to 5 of 18:

ClinGen RASopathy Variant Curation Expert Panel
Classification: Pathogenic for RASopathy. Last evaluated: 2025-09-09. Review status: reviewed by expert panel. Criteria: ClinGen RASopathy ACMG Specifications PTPN11 V2.3.0. Collection method: curation. Allele origin: germline. Inheritance: Autosomal dominant inheritance.
Comment: The c.1517A>C (NM_002834.5(PTPN11):c.1517A>C (p.Gln506Pro) variant in PTPN11 is a missense variant predicted to cause substitution of glutamine by proline at amino acid 506 (p.Gln506Pro). This variant is absent from gnomAD v2.1.1 (PM2_supporting). The computational predictor REVEL gives a score of 0.9, which is above the RASopathy VCEP threshold of 0.7, evidence that correlates with impact to PTPN11 function (PP3). The variant is located in the PTPN11 gene, which has been defined by the ClinGen RASopathy Expert Panel as a gene with a low rate of benign missense variants and pathogenic missense variants are common. The Z-score for missense variants in PTPN11 in gnomAD v4.1.0 is 4.95 (PP2; PMID: 29493581). This variant has been reported in 7 probands with clinical features of Noonan Syndrome with multiple lentigines (PS4; > 5.0 pts.; CeGaT (SCV001247473) & Ambry Genetics (SCV002708581) internal data, PMIDs: 14961557, 15928039, 20954246, 22528600). More evidence is available in the literature, but the score to apply PS4 at full strength has already been met. This variant has been identified as a de novo occurrence with unconfirmed parental relationships in 4 individuals with Noonan Syndrome with Multiple Lentigines (PM6_strong, 3.5 points; CeGaT internal data (SCV001247473), PMIDs: 14961557, 15928039, 20954246). Enzyme-catalyzed hydrolysis of p-nitrophenyl phosphate analysis in E. Coli indicated reduced catalytic speed for the mutant. A study in HEK293 cells showed that the mutant performed dephosphorylation with greater efficiency and exhibited atypical behavior in ERK pathways. Another analysis in E. Coli showed increased dephosphorylation in the mutant. Each of these three assays indicate that the variant impacts protein function (PS3_moderate; PMIDs: 24935154, 26742426). In summary, this variant meets the criteria to be classified as pathogenic for autosomal dominant RASopathy based on the ACMG/AMP criteria applied, as specified by the ClinGen RASopathy VCEP: PM2_supporting, PP3, PP2, PS4, PM6_strong, PS3 (Specifications Version 2.3.0; 9/9/2025).

Centro Nacional de Genética Medica, Administración Nacional de Laboratorios e Institutos de Salud (ANLIS) “Dr. Carlos G Malbrán”
Classification: Pathogenic for Noonan syndrome 1. Last evaluated: 2025-07-01. Review status: criteria provided, single submitter. Criteria: ACMG Guidelines, 2015. Collection method: clinical testing. Allele origin: germline. Affected: yes. Observed: 1 variant allele. Not counted in ClinVar's aggregate classification.
Comment: This variant corresponds to a missense change located within the coding sequence of exon 13/16 of the PTPN11 gene, resulting in the substitution of glutamine (a polar, uncharged amino acid) at position 506 by proline (a nonpolar, uncharged amino acid with a cyclic side chain). Several studies have reported the functional characterization of the p.Gln506Pro variant in PTPN11. These studies demonstrated reduced stability of the protein in its autoinhibited conformation due to destabilization of the intramolecular interaction between the N-SH2 and PTP domains, resulting in a shift toward a more open and active conformation (PMID: 24628801; PMID: 24935154). Consequently, increased catalytic activity of the protein and enhanced phosphorylation of MEK and ERK within the MAPK/ERK signaling pathway have been observed. This pathway plays a crucial role in cellular communication, growth, survival, and differentiation. Consistent with the established pathogenic mechanisms underlying Noonan syndrome, these functional alterations lead to a gain-of-function RASopathy phenotype through sustained activation of the RAS-ERK signaling pathway (PMID: 15987685). Additional structural studies have shown that this amino acid directly participates in the hydrogen-bonding network that stabilizes the interface between the N-SH2 domain and the active site of the PTP domain, thereby contributing to the regulation of catalytic activity (PMID: 9491886). Collectively, these data provide evidence of a damaging functional effect of the variant (PS3_Moderate). This variant has been reported in the literature as de novo in six patients diagnosed with Noonan syndrome; however, maternity and paternity confirmation were not available in these reports (PMID: 32164556;PMID: 15928039;PMID: 20954246;PMID: 30732632) (PM6_Strong). The variant is absent from population databases such as gnomAD, ExAC, and the 1000 Genomes Project (PM2). PTPN11 exhibits a low tolerance to missense variation, with a missense constraint Z-score of 4.95 in the Genome Aggregation Database (gnomAD v4.1.0). Furthermore, this is a missense variant in a gene with a low number of benign missense variants (12) compared with pathogenic missense variants (144), and missense changes represent a well-established disease-causing mechanism for this gene (PP2). Most in silico prediction tools classify the variant as deleterious (REVEL: 0.90, Deleterious Moderate; AlphaMissense: 0.999, Deleterious Strong; BayesDel: 0.44, Deleterious Moderate), suggesting that the p.Gln506Pro variant is likely to adversely affect protein function (PP3).

CeGaT Center for Human Genetics Tuebingen
Classification: Pathogenic. Last evaluated: 2025-02-01. Review status: criteria provided, single submitter. Criteria: CeGaT Center For Human Genetics Tuebingen Variant Classification Criteria Version 2. Collection method: clinical testing. Allele origin: germline. Affected: yes. Observed: 2 variant alleles. Not counted in ClinVar's aggregate classification.
Comment: PTPN11: PS2:Very Strong, PM1, PM2, PS4:Moderate, PP2, PS3:Supporting

Labcorp Genetics (formerly Invitae), Labcorp
Classification: Pathogenic for RASopathy. Last evaluated: 2023-12-13. Review status: criteria provided, single submitter. Criteria: Invitae Variant Classification Sherloc (09022015). Collection method: clinical testing. Allele origin: germline. Not counted in ClinVar's aggregate classification.
Comment: This sequence change replaces glutamine, which is neutral and polar, with proline, which is neutral and non-polar, at codon 506 of the PTPN11 protein (p.Gln506Pro). This variant is not present in population databases (gnomAD no frequency). This missense change has been observed in individual(s) with Noonan syndrome or Noonan syndrome with multiple lentigines, some of whom also had a myeloproliferative disorder (PMID: 14961557, 15723289, 15928039, 18470943, 20954246, 22528600). In at least one individual the variant was observed to be de novo. ClinVar contains an entry for this variant (Variation ID: 40563). Advanced modeling performed at Invitae incorporating data from internal and/or published experimental studies (Invitae) indicates that this missense variant is expected to disrupt PTPN11 function with a positive predictive value of 95%. Experimental studies have shown that this missense change affects PTPN11 function (PMID: 15987685, 24935154, 26742426). For these reasons, this variant has been classified as Pathogenic.

Neuberg Centre For Genomic Medicine, NCGM
Classification: Pathogenic for Noonan syndrome 1. Last evaluated: 2023-07-22. Review status: criteria provided, single submitter. Criteria: ACMG Guidelines, 2015. Collection method: clinical testing. Allele origin: germline. Inheritance: Autosomal dominant inheritance. Affected: yes. Not counted in ClinVar's aggregate classification.
Comment: The observed missense c.1517A>Cp.Gln506Pro variant in PTPN11 gene has been reported previously in heterozygous state in individuals affected with Noonan syndrome NS Piard et al., 2012. Experimental studies have shown that this missense change affects PTPN11 function Noda et al., 2016. This variant is absent in gnomAD Exomes. This variant has been reported to the ClinVar database as Pathogenic multiple submissions. The amino acid Gln at position 506 is changed to a Pro changing protein sequence and it might alter its composition and physico-chemical properties. The amino acid change p.Gln506Pro in PTPN11 is predicted as conserved by GERP++ and PhyloP across 100 vertebrates. Multiple lines of computational evidence Polyphen - Possibly Damaging, SIFT - Damaging, and MutationTaster - Disease causing predict a damaging effect on protein structure and function for this variant. For these reasons, this variant has been classified as Pathogenic.